The following is an entry in ClinVar:

ClinVar aggregate classification (germline): Uncertain significance (1 of 4 stars; one submission).

Conditions:
Hereditary cancer-predisposing syndrome. Also called: Neoplastic Syndromes, Hereditary; Tumor predisposition; Hereditary neoplastic syndrome; Hereditary Cancer Syndrome. Identifiers: Orphanet 140162, MedGen C0027672, MeSH D009386, MONDO:0015356.

Submission:

Ambry Genetics
Classification: Uncertain significance for Hereditary cancer-predisposing syndrome. Last evaluated: 2022-12-04. Review status: criteria provided, single submitter. Criteria: Ambry Variant Classification Scheme 2023. Collection method: clinical testing. Allele origin: germline.
Comment: The p.A80V variant (also known as c.239C>T), located in coding exon 1 of the GREM1 gene, results from a C to T substitution at nucleotide position 239. The alanine at codon 80 is replaced by valine, an amino acid with similar properties. This amino acid position is conserved. In addition, the in silico prediction for this alteration is inconclusive. Since supporting evidence is limited at this time, the clinical significance of this alteration remains unclear.

NM_013372.7(GREM1):c.239C>T (p.Ala80Val)

Gene: GREM1 (gremlin 1, DAN family BMP antagonist; plus strand). Cytogenetic location: 15q13.3.
Variant type: single nucleotide variant.
Coding change: c.239C>T on transcript NM_013372.7 (MANE Select); coding-DNA position 239, C replaced by T.
Protein change: p.Ala80Val; replaces alanine 80 with valine.
Molecular consequence: missense variant.
Genome position (GRCh38, 1-based): chr15:32,730,929, C>T. VCF-style: chr15-32730929-C-T. GRCh37 (hg19) VCF-style: chr15-33023130-C-T.
Other names: c.29C>T, p.Ala10Val (NM_001191322.2); c.116C>T, p.Ala39Val (NM_001191323.2); c.239C>T, p.Ala80Val (NM_001368719.1); short protein forms A10V, A39V, A80V.
Identifiers: ClinVar variation 2452381 (VCV002452381.2), dbSNP rs2548707676, ClinGen allele CA391557492.